The following is an entry in ClinVar:

NM_001845.6(COL4A1):c.2542C>A (p.Gln848Lys)

Gene: COL4A1 (collagen type IV alpha 1 chain; minus strand). Cytogenetic location: 13q34.
Variant type: single nucleotide variant.
Coding change: c.2542C>A on transcript NM_001845.6 (MANE Select); coding-DNA position 2542, C replaced by A.
Protein change: p.Gln848Lys; replaces glutamine 848 with lysine.
Molecular consequence: missense variant.
Genome position (GRCh38, 1-based): chr13:110,178,148, G>T on the plus strand (C>A on the coding strand, the complement: COL4A1 is on the minus strand). VCF-style: chr13-110178148-G-T. GRCh37 (hg19) VCF-style: chr13-110830495-G-T.
Other names: short protein forms Q848K.
Identifiers: ClinVar variation 3663693 (VCV003663693.2).

ClinVar aggregate classification (germline): Uncertain significance (1 of 4 stars; one submission).

Submission:

Labcorp Genetics (formerly Invitae), Labcorp
Classification: Uncertain significance. Last evaluated: 2024-08-28. Review status: criteria provided, single submitter. Criteria: Invitae Variant Classification Sherloc (09022015). Collection method: clinical testing. Allele origin: germline.
Comment: This sequence change replaces glutamine, which is neutral and polar, with lysine, which is basic and polar, at codon 848 of the COL4A1 protein (p.Gln848Lys). This variant is not present in population databases (gnomAD no frequency). This variant has not been reported in the literature in individuals affected with COL4A1-related conditions. An algorithm developed to predict the effect of missense changes on protein structure and function (PolyPhen-2) suggests that this variant is likely to be tolerated. In summary, the available evidence is currently insufficient to determine the role of this variant in disease. Therefore, it has been classified as a Variant of Uncertain Significance.